The following is an entry in ClinVar:

ClinVar aggregate classification (germline): Uncertain significance (1 of 4 stars; one submission).

Conditions:
Hypertrophic cardiomyopathy 19. Also called: Familial hypertrophic cardiomyopathy 19. Identifiers: MedGen CN077603, MONDO:0013476.

Allele frequency attached by ClinVar (database versions not stated): gnomAD exomes below 0.00001.

Submission:

Labcorp Genetics (formerly Invitae), Labcorp
Classification: Uncertain significance for Hypertrophic cardiomyopathy 19. Last evaluated: 2024-01-25. Review status: criteria provided, single submitter. Criteria: Invitae Variant Classification Sherloc (09022015). Collection method: clinical testing. Allele origin: germline.
Comment: This sequence change replaces aspartic acid, which is acidic and polar, with glutamic acid, which is acidic and polar, at codon 227 of the CALR3 protein (p.Asp227Glu). This variant is not present in population databases (gnomAD no frequency). This variant has not been reported in the literature in individuals affected with CALR3-related conditions. ClinVar contains an entry for this variant (Variation ID: 2052375). Algorithms developed to predict the effect of missense changes on protein structure and function output the following: SIFT: "Not Available"; PolyPhen-2: "Benign"; Align-GVGD: "Not Available". The glutamic acid amino acid residue is found in multiple mammalian species, which suggests that this missense change does not adversely affect protein function. In summary, the available evidence is currently insufficient to determine the role of this variant in disease. Therefore, it has been classified as a Variant of Uncertain Significance.

NM_145046.5(CALR3):c.681C>A (p.Asp227Glu)

Gene: CALR3 (calreticulin 3; minus strand). Cytogenetic location: 19p13.11.
Variant type: single nucleotide variant.
Coding change: c.681C>A on transcript NM_145046.5 (MANE Select); coding-DNA position 681, C replaced by A.
Protein change: p.Asp227Glu; replaces aspartic acid 227 with glutamic acid.
Molecular consequence: missense variant.
Genome position (GRCh38, 1-based): chr19:16,482,783, G>T on the plus strand (C>A on the coding strand, the complement: CALR3 is on the minus strand). VCF-style: chr19-16482783-G-T. GRCh37 (hg19) VCF-style: chr19-16593594-G-T.
Other names: short protein forms D227E.
Identifiers: ClinVar variation 2052375 (VCV002052375.4), dbSNP rs1227929044, ClinGen allele CA404608554.